The following is an entry in ClinVar:

NM_000702.4(ATP1A2):c.2801G>T (p.Cys934Phe)

Gene: ATP1A2 (ATPase Na+/K+ transporting subunit alpha 2; plus strand). Cytogenetic location: 1q23.2.
Variant type: single nucleotide variant.
Coding change: c.2801G>T on transcript NM_000702.4 (MANE Select); coding-DNA position 2801, G replaced by T.
Protein change: p.Cys934Phe; replaces cysteine 934 with phenylalanine.
Molecular consequence: missense variant.
Genome position (GRCh38, 1-based): chr1:160,136,992, G>T. VCF-style: chr1-160136992-G-T. GRCh37 (hg19) VCF-style: chr1-160106782-G-T.
Other names: short protein forms C934F.
Identifiers: ClinVar variation 4854589 (VCV004854589.1).

ClinVar aggregate classification (germline): Uncertain significance (1 of 4 stars; one submission).

Conditions:
ATP1A2-related disorder. Also called: ATP1A2-related condition; ATP1A2-RELATED DISORDERS.

Submission:

3billion
Classification: Uncertain significance for ATP1A2-related disorder. Last evaluated: 2025-10-21. Review status: criteria provided, single submitter. Criteria: ACMG Guidelines, 2015. Collection method: clinical testing. Allele origin: germline. Affected: yes.
Comment: The variant is not observed in the gnomAD v4.1.0 dataset. Predicted Consequence/Location: Missense variant In silico tool predictions suggest damaging effect of the variant on gene or gene product [REVEL: 0.93 (>=0.6, sensitivity 0.68 and specificity 0.92); 3Cnet: 0.99 (> 0.75, sensitivity 0.96 and precision 0.92)]. Therefore, this variant is classified as VUS according to the recommendation of ACMG/AMP guideline.